The following is an entry in ClinVar:

ClinVar aggregate classification (germline): Uncertain significance (1 of 4 stars; one submission).

Conditions:
Mitochondrial complex II deficiency, nuclear type 1. Also called: SUCCINATE CoQ REDUCTASE DEFICIENCY. Identifiers: Orphanet 3208, MedGen C5700310, MONDO:0100294, OMIM 252011.
Pheochromocytoma/paraganglioma syndrome 5. Also called: Paragangliomas 5; SDHA-Related Hereditary Paraganglioma-Pheochromocytoma Syndrome. Identifiers: Orphanet 29072, MedGen C3279992, MONDO:0013602, OMIM 614165.

Submission:

Labcorp Genetics (formerly Invitae), Labcorp
Classification: Uncertain significance for Pheochromocytoma/paraganglioma syndrome 5; Mitochondrial complex II deficiency, nuclear type 1. Last evaluated: 2024-07-13. Review status: criteria provided, single submitter. Criteria: Invitae Variant Classification Sherloc (09022015). Collection method: clinical testing. Allele origin: germline.
Comment: This sequence change replaces threonine, which is neutral and polar, with isoleucine, which is neutral and non-polar, at codon 648 of the SDHA protein (p.Thr648Ile). This variant is not present in population databases (gnomAD no frequency). This variant has not been reported in the literature in individuals affected with SDHA-related conditions. Advanced modeling of protein sequence and biophysical properties (such as structural, functional, and spatial information, amino acid conservation, physicochemical variation, residue mobility, and thermodynamic stability) has been performed at Invitae for this missense variant, however the output from this modeling did not meet the statistical confidence thresholds required to predict the impact of this variant on SDHA protein function. In summary, the available evidence is currently insufficient to determine the role of this variant in disease. Therefore, it has been classified as a Variant of Uncertain Significance.

NM_004168.4(SDHA):c.1943C>T (p.Thr648Ile)

Gene: SDHA (succinate dehydrogenase complex flavoprotein subunit A; plus strand). Cytogenetic location: 5p15.33.
Variant type: single nucleotide variant.
Coding change: c.1943C>T on transcript NM_004168.4 (MANE Select); coding-DNA position 1943, C replaced by T.
Protein change: p.Thr648Ile; replaces threonine 648 with isoleucine.
Molecular consequence: missense variant.
Genome position (GRCh38, 1-based): chr5:256,368, C>T. VCF-style: chr5-256368-C-T. GRCh37 (hg19) VCF-style: chr5-256483-C-T.
Other names: c.1799C>T, p.Thr600Ile (NM_001294332.2); c.1700C>T, p.Thr567Ile (NM_001330758.2); short protein forms T567I, T600I, T648I.
Identifiers: ClinVar variation 3754213 (VCV003754213.2).